The following is an entry in ClinVar:

ClinVar aggregate classification (germline): Uncertain significance (1 of 4 stars; one submission).

Allele frequency attached by ClinVar (database versions not stated): gnomAD 0.00001; gnomAD exomes 0.00002; ExAC 0.00004.

Submission:

GeneDx
Classification: Uncertain significance. Last evaluated: 2025-02-11. Review status: criteria provided, single submitter. Criteria: GeneDx Variant Classification Process June 2021. Collection method: clinical testing. Allele origin: germline. Affected: yes.
Comment: Stop codon loss and change to a tyrosine codon, leading to protein extension and the addition of 16 amino acid(s) at the C-terminus; Has not been previously published as pathogenic or benign to our knowledge

NM_139242.4(MTFMT):c.1170G>C (p.Ter390Tyr)

Gene: MTFMT (mitochondrial methionyl-tRNA formyltransferase; minus strand). Cytogenetic location: 15q22.31.
Variant type: single nucleotide variant.
Coding change: c.1170G>C on transcript NM_139242.4 (MANE Select); coding-DNA position 1170, G replaced by C.
Protein change: p.Ter390Tyr.
Molecular consequence: stop lost.
Genome position (GRCh38, 1-based): chr15:65,003,062, C>G on the plus strand (G>C on the coding strand, the complement: MTFMT is on the minus strand). VCF-style: chr15-65003062-C-G. GRCh37 (hg19) VCF-style: chr15-65295400-C-G.
Identifiers: ClinVar variation 1194605 (VCV001194605.3), dbSNP rs773637920, ClinGen allele CA7613131.